The following is an entry in ClinVar:

NM_005228.5(EGFR):c.2500G>A (p.Val834Met)

Gene: EGFR (epidermal growth factor receptor; plus strand). Cytogenetic location: 7p11.2.
Variant type: single nucleotide variant.
Coding change: c.2500G>A on transcript NM_005228.5 (MANE Select); coding-DNA position 2500, G replaced by A.
Protein change: p.Val834Met; replaces valine 834 with methionine.
Molecular consequence: missense variant.
Genome position (GRCh38, 1-based): chr7:55,191,749, G>A. VCF-style: chr7-55191749-G-A. GRCh37 (hg19) VCF-style: chr7-55259442-G-A.
Other names: c.2365G>A, p.Val789Met (NM_001346897.2, NM_001346899.2); c.2500G>A, p.Val834Met (NM_001346898.2); c.2341G>A, p.Val781Met (NM_001346900.2); c.1699G>A, p.Val567Met (NM_001346941.2); short protein forms V567M, V781M, V789M, V834M.
Identifiers: ClinVar variation 4870271 (VCV004870271.1).

ClinVar aggregate classification (germline): Uncertain significance (1 of 4 stars; one submission).

Conditions:
Hereditary cancer-predisposing syndrome. Also called: Neoplastic Syndromes, Hereditary; Tumor predisposition; Hereditary Cancer Syndrome; Hereditary neoplastic syndrome. Identifiers: Orphanet 140162, MedGen C0027672, MeSH D009386, MONDO:0015356.

Submission:

Ambry Genetics
Classification: Uncertain significance for Hereditary cancer-predisposing syndrome. Last evaluated: 2026-05-15. Review status: criteria provided, single submitter. Criteria: Ambry Variant Classification Scheme 2023. Collection method: clinical testing. Allele origin: germline.
Comment: The p.V834M variant (also known as c.2500G>A), located in coding exon 21 of the EGFR gene, results from a G to A substitution at nucleotide position 2500. The valine at codon 834 is replaced by methionine, an amino acid with highly similar properties. This amino acid position is highly conserved in available vertebrate species. In addition, this alteration is predicted to be deleterious by in silico analysis. Based on the available evidence, the clinical significance of this variant remains unclear.